The following is an entry in ClinVar:

ClinVar aggregate classification (germline): Pathogenic (1 of 4 stars; one submission).

Conditions:
Muscular dystrophy-dystroglycanopathy (congenital with brain and eye anomalies), type a, 11 (MDDGA11). Also called: WALKER-WARBURG SYNDROME OR MUSCLE-EYE-BRAIN DISEASE, B3GALNT2-RELATED; Congenital muscular dystrophy-dystroglycanopathy with brain and eye anomalies, type A11; Muscular dystrophy-dystroglycanopathy (congenital with brain and eye anomalies, type A, 11. Identifiers: Orphanet 588, Orphanet 899, MedGen C3554638, MONDO:0014071, OMIM 615181.

Submission:

Labcorp Genetics (formerly Invitae), Labcorp
Classification: Pathogenic for Muscular dystrophy-dystroglycanopathy (congenital with brain and eye anomalies), type a, 11. Last evaluated: 2023-06-28. Review status: criteria provided, single submitter. Criteria: Invitae Variant Classification Sherloc (09022015). Collection method: clinical testing. Allele origin: unknown.
Comment: For these reasons, this variant has been classified as Pathogenic. This variant disrupts a region of the B3GALNT2 protein in which other variant(s) (p.Pro474del) have been determined to be pathogenic (Invitae). This suggests that this is a clinically significant region of the protein, and that variants that disrupt it are likely to be disease-causing. This variant has not been reported in the literature in individuals affected with B3GALNT2-related conditions. This variant results in the deletion of exon 12 and part of exon 11 (c.1363_*1145delinsCAAA) of the B3GALNT2 gene. While this deletion is not anticipated to lead to nonsense mediated decay, it is expected to alter mRNA translation or result in a truncated protein product.

NC_000001.10:g.(?_235612376)_(235616407_?)del

Gene: B3GALNT2 (beta-1,3-N-acetylgalactosaminyltransferase 2; minus strand). Cytogenetic location: 1q42.3.
Variant type: Deletion.
Identifiers: ClinVar variation 3247816 (VCV003247816.1).